The following is an entry in ClinVar:

ClinVar aggregate classification (germline): Uncertain significance. Review status: criteria provided, multiple submitters, no conflicts (2 of 4 stars). 6 submissions from 6 submitters: Uncertain significance (5). 1 of the submissions does not count toward it. Last evaluated 2024-12-26.

Conditions:
Autosomal dominant nonsyndromic hearing loss 56. Also called: Deafness, autosomal dominant 56. Identifiers: Orphanet 90635, MedGen C3810170, MONDO:0014283, OMIM 615629.

Allele frequency attached by ClinVar (database versions not stated): gnomAD 0.00005; TOPMed 0.00007; ESP Exome Variant Server 0.00008; gnomAD exomes 0.00002 and 0.00004; ExAC 0.00003.
gnomAD v4.1: 46 of 1,614,076 alleles (0.0028%); highest among the groups gnomAD compares: African/African-American, 0.021%; no homozygotes.

Submissions (6):

Laboratory of Prof. Karen Avraham, Tel Aviv University
Classification: Uncertain significance for Autosomal dominant nonsyndromic hearing loss 56. Last evaluated: 2024-12-26. Review status: criteria provided, single submitter. Criteria: ACMG Guidelines, 2015. Collection method: research. Allele origin: germline. Affected: yes. Observed: 1 variant allele.
Comment: The TNC c.3413C>T:p.(Thr1138Met) heterozygous variant is very rare and predicted deleterious.

Ambry Genetics
Classification: Uncertain significance. Last evaluated: 2023-12-16. Review status: criteria provided, single submitter. Criteria: Ambry Variant Classification Scheme 2023. Collection method: clinical testing. Allele origin: germline.

Women's Health and Genetics/Laboratory Corporation of America, LabCorp
Classification: Uncertain significance. Last evaluated: 2023-10-16. Review status: criteria provided, single submitter. Criteria: LabCorp Variant Classification Summary - May 2015. Collection method: clinical testing. Allele origin: germline.
Comment: Variant summary: TNC c.3413C>T (p.Thr1138Met) results in a non-conservative amino acid change located in the Fibronectin type III domain (IPR003961) of the encoded protein sequence. Four of five in-silico tools predict a damaging effect of the variant on protein function. The variant allele was found at a frequency of 4.4e-05 in 251454 control chromosomes. To our knowledge, no occurrence of c.3413C>T in individuals affected with Deafness, Autosomal Dominant 56 and no experimental evidence demonstrating its impact on protein function have been reported. One submitter has cited clinical-significance assessments for this variant to ClinVar after 2014 and has classified the variant as uncertain significance. Based on the evidence outlined above, the variant was classified as uncertain significance.

CeGaT Center for Human Genetics Tuebingen
Classification: Uncertain significance. Last evaluated: 2018-06-01. Review status: criteria provided, single submitter. Criteria: CeGaT Center For Human Genetics Tuebingen Variant Classification Criteria Version 2. Collection method: clinical testing. Allele origin: germline. Affected: yes. Observed: 1 variant allele.

Breakthrough Genomics
Classification: Uncertain significance. Review status: criteria provided, single submitter. Criteria: ACMG Guidelines, 2015. Collection method: not provided. Allele origin: germline. Inheritance: Autosomal recessive inheritance. Affected: yes.

Department of Pathology and Laboratory Medicine, Sinai Health System
Classification: Uncertain significance. Review status: no assertion criteria provided. Collection method: clinical testing. Allele origin: unknown. Affected: yes. Study: The Canadian Open Genetics Repository (COGR). Not counted in ClinVar's aggregate classification.
Comment: The TNC p.Thr1138Met variant was not identified in the literature nor was it identified in the ClinVar, Clinvitae or MutDB databases. The variant was identified in dbSNP (ID: rs371671996), Cosmic (predicted pathogenic by FATHMM) and LOVD 3.0. The variant was identified in control databases in 11 of 251454 chromosomes at a frequency of 0.000044 (Genome Aggregation Database Feb 27, 2017). The variant was observed in the following populations: African in 7 of 16254 chromosomes (freq: 0.000431), South Asian in 3 of 30616 chromosomes (freq: 0.000098) and European (non-Finnish) in 1 of 113738 chromosomes (freq: 0.000009), but not in the Latino, Ashkenazi Jewish, East Asian, European (Finnish), and Other populations. The p.Thr1138 residue is conserved across mammals and other organisms, and four out of five computational analyses (PolyPhen-2, SIFT, BLOSUM, and MutationTaster) suggest that the variant may impact the protein; however, this information is not predictive enough to assume pathogenicity. In summary, based on the above information the clinical significance of this variant cannot be determined with certainty at this time. This variant is classified as a variant of uncertain significance.

NM_002160.4(TNC):c.3413C>T (p.Thr1138Met)

Gene: TNC (tenascin C; minus strand). Cytogenetic location: 9q33.1.
Variant type: single nucleotide variant.
Coding change: c.3413C>T on transcript NM_002160.4 (MANE Select); coding-DNA position 3413, C replaced by T.
Protein change: p.Thr1138Met; replaces threonine 1138 with methionine.
Molecular consequence: missense variant.
Genome position (GRCh38, 1-based): chr9:115,064,721, G>A on the plus strand (C>T on the coding strand, the complement: TNC is on the minus strand). VCF-style: chr9-115064721-G-A. GRCh37 (hg19) VCF-style: chr9-117827000-G-A.
Other names: DFNA56; c.3413C>T (NM_002160.3); short protein forms T1138M.
Identifiers: ClinVar variation 810407 (VCV000810407.46), dbSNP rs371671996, ClinGen allele CA5208234.
Genomic context (GRCh38, chr9:115,064,721, plus strand): 5'-GCAGAGAGCACTGGTGTTCTATAGCCCTGGATCACCCCATAGATGGAGACTGTATAAGGC[G>A]TAGCAGCCTTGAGGCCCGGTATGTCCACAGCCCGAAGGCTGCCAGGCACGGTGAGGTTCC-3'
Protein context (NP_002151.2, residues 1128-1148): AVDIPGLKAA[Thr1138Met]PYTVSIYGVI